The following is an entry in ClinVar:

ClinVar aggregate classification (germline): Likely pathogenic (1 of 4 stars; one submission).

Submission:

GeneDx
Classification: Likely pathogenic. Last evaluated: 2025-08-28. Review status: criteria provided, single submitter. Criteria: GeneDx Variant Classification Process June 2021. Collection method: clinical testing. Allele origin: germline.
Comment: Frameshift variant predicted to result in protein truncation or nonsense mediated decay in a gene for which loss of function is a known mechanism of disease; Not observed at significant frequency in large population cohorts (gnomAD); Has not been previously published as pathogenic or benign to our knowledge

NM_001003699.4(RREB1):c.4314_4336del (p.Gly1439fs)

Gene: RREB1 (ras responsive element binding protein 1; plus strand). Cytogenetic location: 6p24.3.
Variant type: Deletion.
Coding change: c.4314_4336del on transcript NM_001003699.4 (MANE Select); coding-DNA positions 4314 to 4336, 23 bases deleted (CGGGGGCGCGGCCTCGCAGGAGC).
Protein change: p.Gly1439fs; shifts the reading frame from glycine 1439.
Molecular consequence: frameshift variant. On other transcripts: intron variant (1).
Genome position (GRCh38, 1-based): chr6:7,246,764-7,246,786, CGGGGGCGCGGCCTCGCAGGAGC deleted; deleting any 23 consecutive bases within chr6:7,246,762-7,246,786 gives the same sequence; the c. name uses the placement nearest the transcript's 3' end. VCF-style (leftmost placement, unchanged base first): chr6-7246761-CGCCGGGGGCGCGGCCTCGCAGGA-C. GRCh37 (hg19) VCF-style: chr6-7246994-CGCCGGGGGCGCGGCCTCGCAGGA-C.
Other names: c.4149_4171del, p.Gly1384fs (NM_001003698.4, NM_001168344.2); c.3974-1747_3974-1725del (NM_001003700.2); short protein forms G1439fs, G1384fs.
Identifiers: ClinVar variation 4055810 (VCV004055810.2).